The following is an entry in ClinVar:

NM_130466.4(UBE3B):c.1799T>C (p.Val600Ala)

Gene: UBE3B (ubiquitin protein ligase E3B; plus strand). Cytogenetic location: 12q24.11.
Variant type: single nucleotide variant.
Coding change: c.1799T>C on transcript NM_130466.4 (MANE Select); coding-DNA position 1799, T replaced by C.
Protein change: p.Val600Ala; replaces valine 600 with alanine.
Molecular consequence: missense variant.
Genome position (GRCh38, 1-based): chr12:109,510,401, T>C. VCF-style: chr12-109510401-T-C. GRCh37 (hg19) VCF-style: chr12-109948206-T-C.
Other names: c.1799T>C, p.Val600Ala (NM_183415.3); short protein forms V600A.
Identifiers: ClinVar variation 2058061 (VCV002058061.1), dbSNP rs200295015, ClinGen allele CA6777981.

ClinVar aggregate classification (germline): Uncertain significance (1 of 4 stars; one submission).

Allele frequency attached by ClinVar (database versions not stated): gnomAD 0.00005; ExAC 0.00007; gnomAD exomes 0.00008; TOPMed 0.00014; 1000 Genomes Project 30x 0.00016; 1000 Genomes Project 0.00020.
gnomAD v4.1: 125 of 1,613,118 alleles (0.0077%); highest among the groups gnomAD compares: Admixed American, 0.033%; no homozygotes.

Submission:

Labcorp Genetics (formerly Invitae), Labcorp
Classification: Uncertain significance. Last evaluated: 2022-07-03. Review status: criteria provided, single submitter. Criteria: Invitae Variant Classification Sherloc (09022015). Collection method: clinical testing. Allele origin: germline.
Comment: This sequence change replaces valine, which is neutral and non-polar, with alanine, which is neutral and non-polar, at codon 600 of the UBE3B protein (p.Val600Ala). This variant is present in population databases (rs200295015, gnomAD 0.01%). This variant has not been reported in the literature in individuals affected with UBE3B-related conditions. Algorithms developed to predict the effect of missense changes on protein structure and function (SIFT, PolyPhen-2, Align-GVGD) all suggest that this variant is likely to be tolerated. In summary, the available evidence is currently insufficient to determine the role of this variant in disease. Therefore, it has been classified as a Variant of Uncertain Significance.